The following is an entry in ClinVar:

NM_152703.5(SAMD9L):c.3858A>T (p.Glu1286Asp)

Gene: SAMD9L (sterile alpha motif domain containing 9 like; minus strand). Cytogenetic location: 7q21.2.
Variant type: single nucleotide variant.
Coding change: c.3858A>T on transcript NM_152703.5 (MANE Select); coding-DNA position 3858, A replaced by T.
Protein change: p.Glu1286Asp; replaces glutamic acid 1286 with aspartic acid.
Molecular consequence: missense variant.
Genome position (GRCh38, 1-based): chr7:93,132,114, T>A on the plus strand (A>T on the coding strand, the complement: SAMD9L is on the minus strand). VCF-style: chr7-93132114-T-A. GRCh37 (hg19) VCF-style: chr7-92761427-T-A.
Other names: c.3858A>T, p.Glu1286Asp (NM_001303496.3, NM_001303497.3, NM_001303498.3 and 5 more transcripts); short protein forms E1286D.
Identifiers: ClinVar variation 5028886 (VCV005028886.1).

ClinVar aggregate classification (germline): Uncertain significance (1 of 4 stars; one submission).

Conditions:
Inborn genetic diseases. Identifiers: MedGen C0950123, MeSH D030342.

Submission:

Ambry Genetics
Classification: Uncertain significance for Inborn genetic diseases. Last evaluated: 2026-07-13. Review status: criteria provided, single submitter. Criteria: Ambry Variant Classification Scheme 2023. Collection method: clinical testing. Allele origin: germline.
Comment: The p.E1286D variant (also known as c.3858A>T), located in coding exon 1 of the SAMD9L gene, results from an A to T substitution at nucleotide position 3858. The glutamic acid at codon 1286 is replaced by aspartic acid, an amino acid with highly similar properties. This amino acid position is conserved. In addition, this alteration is predicted to be tolerated by in silico analysis. Based on the available evidence, the clinical significance of this variant remains unclear.